The following is an entry in ClinVar:

ClinVar aggregate classification (germline): Uncertain significance. Review status: criteria provided, multiple submitters, no conflicts (2 of 4 stars). 2 submissions from 2 submitters: Uncertain significance (2). Last evaluated 2022-04-26.

Conditions:
Kabuki syndrome. Also called: Kabuki make-up syndrome; NIIKAWA-KUROKI SYNDROME. Identifiers: Orphanet 2322, MedGen C0796004, MONDO:0016512.

Submissions (2):

Blueprint Genetics
Classification: Uncertain significance. Last evaluated: 2022-04-26. Review status: criteria provided, single submitter. Criteria: ACMG Guidelines, 2015. Collection method: clinical testing. Allele origin: germline.

Labcorp Genetics (formerly Invitae), Labcorp
Classification: Uncertain significance for Kabuki syndrome. Last evaluated: 2022-04-21. Review status: criteria provided, single submitter. Criteria: Invitae Variant Classification Sherloc (09022015). Collection method: clinical testing. Allele origin: germline.
Comment: In summary, the available evidence is currently insufficient to determine the role of this variant in disease. Therefore, it has been classified as a Variant of Uncertain Significance. Advanced modeling of protein sequence and biophysical properties (such as structural, functional, and spatial information, amino acid conservation, physicochemical variation, residue mobility, and thermodynamic stability) performed at Invitae indicates that this missense variant is not expected to disrupt KMT2D protein function. This variant has not been reported in the literature in individuals affected with KMT2D-related conditions. This variant is not present in population databases (gnomAD no frequency). This sequence change replaces methionine, which is neutral and non-polar, with isoleucine, which is neutral and non-polar, at codon 999 of the KMT2D protein (p.Met999Ile).

NM_003482.4(KMT2D):c.2997G>A (p.Met999Ile)

Gene: KMT2D (lysine methyltransferase 2D; minus strand). Cytogenetic location: 12q13.12.
Variant type: single nucleotide variant.
Coding change: c.2997G>A on transcript NM_003482.4 (MANE Select); coding-DNA position 2997, G replaced by A.
Protein change: p.Met999Ile; replaces methionine 999 with isoleucine.
Molecular consequence: missense variant.
Genome position (GRCh38, 1-based): chr12:49,050,591, C>T on the plus strand (G>A on the coding strand, the complement: KMT2D is on the minus strand). VCF-style: chr12-49050591-C-T. GRCh37 (hg19) VCF-style: chr12-49444374-C-T.
Other names: short protein forms M999I.
Identifiers: ClinVar variation 2128853 (VCV002128853.5), dbSNP rs2120653442, ClinGen allele CA384660073.